The following is an entry in ClinVar:

ClinVar aggregate classification (germline): Conflicting classifications of pathogenicity. Review status: criteria provided, conflicting classifications (1 of 4 stars). 5 submissions from 5 submitters: Uncertain significance (1); Benign (1); Likely benign (3). Last evaluated 2026-01-24.

Conditions:
Hyperekplexia 2 (HKPX2). Identifiers: Orphanet 3197, MedGen C3553291, MONDO:0013828, OMIM 614619.

Allele frequency attached by ClinVar (database versions not stated): 1000 Genomes Project 30x 0.00016; 1000 Genomes Project 0.00020; ESP Exome Variant Server 0.00031; gnomAD exomes 0.00038 and 0.00045; TOPMed 0.00040; gnomAD 0.00042; ExAC 0.00043.
gnomAD v4.1: 632 of 1,613,594 alleles (0.039%); highest among the groups gnomAD compares: Middle Eastern, 0.89%; 1 homozygote.

Submissions (5):

Labcorp Genetics (formerly Invitae), Labcorp
Classification: Likely benign for Hyperekplexia 2. Last evaluated: 2026-01-24. Review status: criteria provided, single submitter. Criteria: Invitae Variant Classification Sherloc (09022015). Collection method: clinical testing. Allele origin: germline.

CeGaT Center for Human Genetics Tuebingen
Classification: Likely benign. Last evaluated: 2026-01-01. Review status: criteria provided, single submitter. Criteria: CeGaT Center For Human Genetics Tuebingen Variant Classification Criteria Version 2. Collection method: clinical testing. Allele origin: germline. Affected: yes. Observed: 1 variant allele.
Comment: GLRB: BP4, BP7

Blueprint Genetics
Classification: Likely benign. Last evaluated: 2024-10-15. Review status: criteria provided, single submitter. Criteria: ACMG Guidelines, 2015. Collection method: clinical testing. Allele origin: germline.

Illumina Laboratory Services, Illumina
Classification: Benign for Hyperekplexia 2. Last evaluated: 2018-01-13. Review status: criteria provided, single submitter. Criteria: ICSL Variant Classification Criteria 13 December 2019. Collection method: clinical testing. Allele origin: germline.
Comment: This variant was observed in the ICSL laboratory as part of a predisposition screen in an ostensibly healthy population. It had not been previously curated by ICSL or reported in the Human Gene Mutation Database (HGMD: prior to June 1st, 2018), and was therefore a candidate for classification through an automated scoring system. Utilizing variant allele frequency, disease prevalence and penetrance estimates, and inheritance mode, an automated score was calculated to assess if this variant is too frequent to cause the disease. Based on the score and internal cut-off values, a variant classified as benign is not then subjected to further curation. The score for this variant resulted in a classification of benign for this disease.

Eurofins Ntd Llc (ga)
Classification: Uncertain significance. Last evaluated: 2017-04-14. Review status: criteria provided, single submitter. Criteria: EGL Classification Definitions 2015. Collection method: clinical testing. Allele origin: germline. Observed: 1 variant allele, 1 heterozygote.

NM_000824.5(GLRB):c.822C>T (p.Tyr274=)

Gene: GLRB (glycine receptor beta; plus strand). Cytogenetic location: 4q32.1.
Variant type: single nucleotide variant.
Coding change: c.822C>T on transcript NM_000824.5 (MANE Select); coding-DNA position 822, C replaced by T.
Protein change: p.Tyr274=; no amino-acid change (tyrosine 274 retained).
Molecular consequence: synonymous variant.
Genome position (GRCh38, 1-based): chr4:157,143,877, C>T. VCF-style: chr4-157143877-C-T. GRCh37 (hg19) VCF-style: chr4-158065029-C-T.
Other names: c.822C>T, p.Tyr274= (NM_001166060.2, NM_001166061.2).
Identifiers: ClinVar variation 347921 (VCV000347921.24), dbSNP rs147320218, ClinGen allele CA3119878.